The following is an entry in ClinVar:

ClinVar aggregate classification (germline): Uncertain significance (1 of 4 stars; one submission).

Conditions:
Ehlers-Danlos syndrome, type 4 (EDSVASC). Also called: Ehlers-Danlos Syndrome Type IV; Ehlers-Danlos syndrome vascular type; Ehlers Danlos syndrome, ecchymotic type; Ehlers Danlos syndrome, arterial type; Ehlers Danlos syndrome, Sack-Barabas type. Identifiers: Orphanet 286, MedGen C0268338, MONDO:0017314, OMIM 130050.

Submission:

All of Us Research Program, National Institutes of Health
Classification: Uncertain significance for Ehlers-Danlos syndrome, type 4. Last evaluated: 2023-10-06. Review status: criteria provided, single submitter. Criteria: ACMG Guidelines, 2015. Collection method: clinical testing. Allele origin: germline. Inheritance: Autosomal dominant inheritance. Observed: 1 variant allele, 1 heterozygote.
Comment: This missense variant replaces lysine with asparagine at codon 229 of the COL3A1 protein. Computational prediction suggests that this variant may not impact protein structure and function (internally defined REVEL score threshold <= 0.5, PMID: 27666373). To our knowledge, functional studies have not been reported for this variant. This variant has not been reported in individuals affected with COL3A1-related disorders in the literature. This variant has not been identified in the general population by the Genome Aggregation Database (gnomAD). The available evidence is insufficient to determine the role of this variant in disease conclusively. Therefore, this variant is classified as a Variant of Uncertain Significance.

This study involves interpretation of variants in research participants for the purpose of population health screening. Participant phenotype was not available at the time of variant classification. Additional details can be found in publication PMID: 35346344, PMCID: PMC8962531

NM_000090.4(COL3A1):c.687A>T (p.Lys229Asn)

Gene: COL3A1 (collagen type III alpha 1 chain; plus strand). Cytogenetic location: 2q32.2.
Variant type: single nucleotide variant.
Coding change: c.687A>T on transcript NM_000090.4 (MANE Select); coding-DNA position 687, A replaced by T.
Protein change: p.Lys229Asn; replaces lysine 229 with asparagine.
Molecular consequence: missense variant.
Genome position (GRCh38, 1-based): chr2:188,989,446, A>T. VCF-style: chr2-188989446-A-T. GRCh37 (hg19) VCF-style: chr2-189854172-A-T.
Other names: short protein forms K229N.
Identifiers: ClinVar variation 3073694 (VCV003073694.1), dbSNP rs2469116655, ClinGen allele CA349848882.